The following is an entry in ClinVar:

ClinVar aggregate classification (germline): Uncertain significance (1 of 4 stars; one submission).

Conditions:
Dilated cardiomyopathy 1G (CMD1G). Identifiers: Orphanet 154, MedGen C1858763, MONDO:0011400, OMIM 604145.
Autosomal recessive limb-girdle muscular dystrophy type 2J (LGMDR10). Also called: MUSCULAR DYSTROPHY, LIMB-GIRDLE, AUTOSOMAL RECESSIVE 10; Limb-girdle muscular dystrophy, type 2J. Identifiers: Orphanet 140922, MedGen C1837342, MONDO:0012127, OMIM 608807.

Submission:

Labcorp Genetics (formerly Invitae), Labcorp
Classification: Uncertain significance for Dilated cardiomyopathy 1G; Autosomal recessive limb-girdle muscular dystrophy type 2J. Last evaluated: 2021-02-09. Review status: criteria provided, single submitter. Criteria: Invitae Variant Classification Sherloc (09022015). Collection method: clinical testing. Allele origin: germline.
Comment: Experimental studies and prediction algorithms are not available or were not evaluated, and the functional significance of this variant is currently unknown. This variant is located in the M band of TTN (PMID: 25589632). Variants in this region may be relevant for neuromuscular disorders, but have not been definitively shown to cause cardiomyopathy (PMID: 23975875). In summary, the available evidence is currently insufficient to determine the role of this variant in disease. Therefore, it has been classified as a Variant of Uncertain Significance. This variant has not been reported in the literature in individuals with TTN-related conditions. This variant is not present in population databases (ExAC no frequency). This sequence change replaces serine with phenylalanine at codon 35557 of the TTN protein (p.Ser35557Phe). There is a large physicochemical difference between serine and phenylalanine.

Literature cited by the submitters: PubMed 25589632; PubMed 23975875.

NM_001267550.2(TTN):c.106670C>T (p.Ser35557Phe)

Genes: TTN (titin; minus strand), TTN-AS1 (TTN antisense RNA 1; plus strand). Cytogenetic location: 2q31.2.
Variant type: single nucleotide variant.
Coding change: c.106670C>T on transcript NM_001267550.2 (MANE Select); coding-DNA position 106670, C replaced by T.
Protein change: p.Ser35557Phe; replaces serine 35557 with phenylalanine.
Molecular consequence: missense variant.
Genome position (GRCh38, 1-based): chr2:178,529,081, G>A on the plus strand (C>T on the coding strand, the complement: TTN is on the minus strand). VCF-style: chr2-178529081-G-A. GRCh37 (hg19) VCF-style: chr2-179393808-G-A.
Other names: c.101747C>T, p.Ser33916Phe (NM_001256850.1); c.79475C>T, p.Ser26492Phe (NM_003319.4); c.98966C>T, p.Ser32989Phe (NM_133378.4); c.79850C>T, p.Ser26617Phe (NM_133432.3); c.80051C>T, p.Ser26684Phe (NM_133437.4); short protein forms S26684F, S33916F, S35557F, S32989F, S26492F, S26617F.
Identifiers: ClinVar variation 1375049 (VCV001375049.6), dbSNP rs760531226, ClinGen allele CA349403696.